The following is an entry in ClinVar:

NM_004727.3(SLC24A1):c.2531A>G (p.Asp844Gly)

Gene: SLC24A1 (solute carrier family 24 member 1; plus strand). Cytogenetic location: 15q22.31.
Variant type: single nucleotide variant.
Coding change: c.2531A>G on transcript NM_004727.3 (MANE Select); coding-DNA position 2531, A replaced by G.
Protein change: p.Asp844Gly; replaces aspartic acid 844 with glycine.
Molecular consequence: missense variant.
Genome position (GRCh38, 1-based): chr15:65,650,680, A>G. VCF-style: chr15-65650680-A-G. GRCh37 (hg19) VCF-style: chr15-65943018-A-G.
Other names: c.512A>G, p.Asp171Gly (NM_001254740.2); c.2531A>G, p.Asp844Gly (NM_001301031.1); c.2477A>G, p.Asp826Gly (NM_001301032.1, NM_001301033.2); c.2189A>G, p.Asp730Gly (NM_001411142.1); short protein forms D171G, D826G, D730G, D844G.
Identifiers: ClinVar variation 2083379 (VCV002083379.4), dbSNP rs754029417, ClinGen allele CA7620140.

ClinVar aggregate classification (germline): Uncertain significance (1 of 4 stars; one submission).

Allele frequency attached by ClinVar (database versions not stated): gnomAD exomes below 0.00001.
gnomAD v4.1: 4 of 1,547,148 alleles (0.00026%); highest among the groups gnomAD compares: Admixed American, 0.0059%; no homozygotes.

Submission:

Labcorp Genetics (formerly Invitae), Labcorp
Classification: Uncertain significance. Last evaluated: 2022-05-31. Review status: criteria provided, single submitter. Criteria: Invitae Variant Classification Sherloc (09022015). Collection method: clinical testing. Allele origin: germline.
Comment: This variant is present in population databases (rs754029417, gnomAD 0.008%). This sequence change replaces aspartic acid, which is acidic and polar, with glycine, which is neutral and non-polar, at codon 844 of the SLC24A1 protein (p.Asp844Gly). This variant has not been reported in the literature in individuals affected with SLC24A1-related conditions. In summary, the available evidence is currently insufficient to determine the role of this variant in disease. Therefore, it has been classified as a Variant of Uncertain Significance. Algorithms developed to predict the effect of missense changes on protein structure and function output the following: SIFT: "Tolerated"; PolyPhen-2: "Benign"; Align-GVGD: "Class C0". The glycine amino acid residue is found in multiple mammalian species, which suggests that this missense change does not adversely affect protein function.